The following is an entry in ClinVar:

ClinVar aggregate classification (germline): Uncertain significance (1 of 4 stars; one submission).

Conditions:
DVL3-related disorder. Also called: DVL3-related condition.

gnomAD v4.1: 5 of 1,614,160 alleles (0.00031%); highest among the groups gnomAD compares: East Asian, 0.0022%; no homozygotes.

Submission:

PreventionGenetics, part of Exact Sciences
Classification: Uncertain significance for DVL3-related condition. Last evaluated: 2026-06-27. Review status: criteria provided, single submitter. Criteria: ACMG Guidelines, 2015. Collection method: clinical testing. Allele origin: germline.
Comment: The DVL3 c.1483G>A variant is predicted to result in the amino acid substitution p.Gly495Ser. To our knowledge, this variant has not been reported in the literature. This variant is reported in 0.011% of alleles in individuals of East Asian descent in gnomAD. At this time, the clinical significance of this variant is uncertain due to the absence of conclusive functional and genetic evidence.

NM_004423.4(DVL3):c.1483G>A (p.Gly495Ser)

Gene: DVL3 (dishevelled segment polarity protein 3; plus strand). Cytogenetic location: 3q27.1.
Variant type: single nucleotide variant.
Coding change: c.1483G>A on transcript NM_004423.4 (MANE Select); coding-DNA position 1483, G replaced by A.
Protein change: p.Gly495Ser; replaces glycine 495 with serine.
Molecular consequence: missense variant.
Genome position (GRCh38, 1-based): chr3:184,168,050, G>A. VCF-style: chr3-184168050-G-A. GRCh37 (hg19) VCF-style: chr3-183885838-G-A.
Other names: short protein forms G495S.
Identifiers: ClinVar variation 4979851 (VCV004979851.1).